The following is an entry in ClinVar:

NM_005340.7(HINT1):c.148A>G (p.Thr50Ala)

Gene: HINT1 (histidine triad nucleotide binding protein 1; minus strand). Cytogenetic location: 5q23.3.
Variant type: single nucleotide variant.
Coding change: c.148A>G on transcript NM_005340.7 (MANE Select); coding-DNA position 148, A replaced by G.
Protein change: p.Thr50Ala; replaces threonine 50 with alanine.
Molecular consequence: missense variant. On other transcripts: non-coding transcript variant (5).
Genome position (GRCh38, 1-based): chr5:131,162,640, T>C on the plus strand (A>G on the coding strand, the complement: HINT1 is on the minus strand). VCF-style: chr5-131162640-T-C. GRCh37 (hg19) VCF-style: chr5-130498333-T-C.
Other names: c.148A>G (NM_005340.5, NM_005340.6); short protein forms T50A.
Identifiers: ClinVar variation 425355 (VCV000425355.53), dbSNP rs368167215, ClinGen allele CA3398616.
Genomic context (GRCh38, chr5:131,162,640, plus strand): 5'-CATCATCTTCTGCCACAGAAATCTGGGATATATGTTTCTTGGGTATCACCAGAAAATGTG[T>C]TGGTGCTTGAGGGGAAATGTCATGGAAAGCAAGGCACTAGGGAAAAGAGAAATAAATAAA-3'
Protein context (NP_005331.1, residues 40-60): AFHDISPQAP[Thr50Ala]HFLVIPKKHI

ClinVar aggregate classification (germline): Uncertain significance. Review status: criteria provided, multiple submitters, no conflicts (2 of 4 stars). 4 submissions from 4 submitters: Uncertain significance (4). Last evaluated 2024-07-12.

Conditions:
Inborn genetic diseases. Identifiers: MedGen C0950123, MeSH D030342.
Autosomal recessive axonal neuropathy with neuromyotonia (NMAN). Also called: Gamstorp-Wohlfart syndrome; MYOKYMIA, MYOTONIA, AND MUSCLE WASTING; Neuromyotonia and axonal neuropathy, autosomal recessive. Identifiers: Orphanet 324442, MedGen C5700127, MONDO:0007646, OMIM 137200.

Allele frequency attached by ClinVar (database versions not stated): gnomAD 0.00001; ExAC 0.00002; TOPMed 0.00002; ESP Exome Variant Server 0.00015.
gnomAD v4.1: 10 of 1,612,876 alleles (0.00062%); highest among the groups gnomAD compares: Non-Finnish European, 0.00085%; no homozygotes.

Submissions (4):

GeneDx
Classification: Uncertain significance. Last evaluated: 2024-07-12. Review status: criteria provided, single submitter. Criteria: GeneDx Variant Classification Process June 2021. Collection method: clinical testing. Allele origin: germline. Affected: yes.
Comment: Not observed at significant frequency in large population cohorts (gnomAD); In silico analysis indicates that this missense variant does not alter protein structure/function; Has not been previously published as pathogenic or benign to our knowledge

Ambry Genetics
Classification: Uncertain significance for Inborn genetic diseases. Last evaluated: 2022-09-06. Review status: criteria provided, single submitter. Criteria: Ambry Variant Classification Scheme 2023. Collection method: clinical testing. Allele origin: germline.

Labcorp Genetics (formerly Invitae), Labcorp
Classification: Uncertain significance for Autosomal recessive axonal neuropathy with neuromyotonia. Last evaluated: 2021-06-23. Review status: criteria provided, single submitter. Criteria: Invitae Variant Classification Sherloc (09022015). Collection method: clinical testing. Allele origin: germline.
Comment: In summary, the available evidence is currently insufficient to determine the role of this variant in disease. Therefore, it has been classified as a Variant of Uncertain Significance. Algorithms developed to predict the effect of missense changes on protein structure and function (SIFT, PolyPhen-2, Align-GVGD) all suggest that this variant is likely to be tolerated, but these predictions have not been confirmed by published functional studies and their clinical significance is uncertain. This variant has not been reported in the literature in individuals with HINT1-related conditions. ClinVar contains an entry for this variant (Variation ID: 425355). This variant is present in population databases (rs368167215, ExAC 0.003%). This sequence change replaces threonine with alanine at codon 50 of the HINT1 protein (p.Thr50Ala). The threonine residue is moderately conserved and there is a small physicochemical difference between threonine and alanine.

CeGaT Center for Human Genetics Tuebingen
Classification: Uncertain significance. Last evaluated: 2017-01-01. Review status: criteria provided, single submitter. Criteria: CeGaT Center For Human Genetics Tuebingen Variant Classification Criteria Version 2. Collection method: clinical testing. Allele origin: germline. Affected: yes. Observed: 1 variant allele.